The following is an entry in ClinVar:

NM_130837.3(OPA1):c.2995G>T (p.Glu999Ter)

Gene: OPA1 (OPA1 mitochondrial dynamin like GTPase; plus strand). Cytogenetic location: 3q29.
Variant type: single nucleotide variant.
Coding change: c.2995G>T on transcript NM_130837.3 (MANE Select); coding-DNA position 2995, G replaced by T.
Protein change: p.Glu999Ter; replaces glutamic acid 999 with a stop codon.
Molecular consequence: nonsense.
Genome position (GRCh38, 1-based): chr3:193,692,074, G>T. VCF-style: chr3-193692074-G-T. GRCh37 (hg19) VCF-style: chr3-193409863-G-T.
Other names: c.2461G>T, p.Glu821Ter (NM_001354663.2); c.2458G>T, p.Glu820Ter (NM_001354664.2); c.2830G>T, p.Glu944Ter (NM_015560.3); c.2722G>T, p.Glu908Ter (NM_130831.3); c.2776G>T, p.Glu926Ter (NM_130832.3); c.2833G>T, p.Glu945Ter (NM_130833.3); c.2884G>T, p.Glu962Ter (NM_130834.3); c.2887G>T, p.Glu963Ter (NM_130835.3); and 1 more; short protein forms E820*, E821*, E908*, E926*, E944*, E945*, E962*, E963*.
Identifiers: ClinVar variation 1709210 (VCV001709210.5), dbSNP rs2475490408, ClinGen allele CA355873174.

ClinVar aggregate classification (germline): Conflicting classifications of pathogenicity. Review status: criteria provided, conflicting classifications (1 of 4 stars). 4 submissions from 4 submitters: Pathogenic (1); Uncertain significance (1). 2 of the submissions do not count toward it. Last evaluated 2025-10-08.

Conditions:
Autosomal dominant optic atrophy classic form (OPA1). Also called: KJER-TYPE OPTIC ATROPHY; OPTIC ATROPHY, JUVENILE; Optic Atrophy Type 1. Identifiers: Orphanet 98673, MedGen C0338508, MONDO:0008134, OMIM 165500.
Optic atrophy. Identifiers: MedGen C0029124, MONDO:0003608, HP:0000648.

Submissions (4):

Institute of Medical Genetics and Applied Genomics, University Hospital Tübingen
Classification: Pathogenic for Autosomal dominant optic atrophy classic form. Last evaluated: 2025-10-08. Review status: criteria provided, single submitter. Criteria: ACMG Guidelines, 2015. Collection method: clinical testing. Allele origin: germline. Inheritance: Autosomal dominant inheritance. Affected: yes.

MGZ Medical Genetics Center
Classification: Uncertain significance for Autosomal dominant optic atrophy classic form. Last evaluated: 2022-02-28. Review status: criteria provided, single submitter. Criteria: ACMG Guidelines, 2015. Collection method: clinical testing. Allele origin: germline. Affected: yes. Observed: 1 variant allele.
Comment: ACMG criteria applied: PVS1_STR, PM2_SUP

Institute of Human Genetics, Univ. Regensburg, Univ. Regensburg
Classification: Likely pathogenic for Optic atrophy. Last evaluated: 2023-01-01. Review status: no assertion criteria provided. Criteria: ACMG Guidelines, 2015. Collection method: clinical testing. Allele origin: germline. Affected: yes. Not counted in ClinVar's aggregate classification.

Clinical Genetics Laboratory, University Hospital Schleswig-Holstein
Classification: Pathogenic for Autosomal dominant optic atrophy classic form. Last evaluated: 2021-12-01. Review status: no assertion criteria provided. Collection method: clinical testing. Allele origin: germline. Affected: yes. Not counted in ClinVar's aggregate classification.